The following is an entry in ClinVar:

NM_001194958.2(KCNJ18):c.123G>T (p.Arg41Ser)

Gene: KCNJ18 (potassium inwardly rectifying channel subfamily J member 18; plus strand). Cytogenetic location: 17p11.2.
Variant type: single nucleotide variant.
Coding change: c.123G>T on transcript NM_001194958.2 (MANE Select); coding-DNA position 123, G replaced by T.
Protein change: p.Arg41Ser; replaces arginine 41 with serine.
Molecular consequence: missense variant.
Genome position (GRCh38, 1-based): chr17:21,702,909, G>T. VCF-style: chr17-21702909-G-T.
Other names: p.Arg41Ser; short protein forms R41S.
Identifiers: ClinVar variation 2683414 (VCV002683414.1), dbSNP rs1273311631, ClinGen allele CA398487663.

ClinVar aggregate classification (germline): Uncertain significance (1 of 4 stars; one submission).

Submission:

Mayo Clinic Laboratories, Mayo Clinic
Classification: Uncertain significance. Last evaluated: 2022-02-10. Review status: criteria provided, single submitter. Criteria: ACMG Guidelines, 2015. Collection method: clinical testing. Allele origin: germline. Observed: 1 variant allele.
Comment: BP4, PM2